The following is an entry in ClinVar:

ClinVar aggregate classification (germline): Uncertain significance (1 of 4 stars; one submission).

Conditions:
MEGF10-related myopathy (CMYO10A). Also called: Congenital myopathy 10A, severe variant. Identifiers: Orphanet 439212, MedGen C3280679, MONDO:0013731, OMIM 614399.

Allele frequency attached by ClinVar (database versions not stated): gnomAD exomes below 0.00001.
gnomAD v4.1: 5 of 1,614,146 alleles (0.00031%); highest among the groups gnomAD compares: Non-Finnish European, 0.00042%; no homozygotes.

Submission:

Labcorp Genetics (formerly Invitae), Labcorp
Classification: Uncertain significance for MEGF10-related myopathy. Last evaluated: 2020-09-15. Review status: criteria provided, single submitter. Criteria: Invitae Variant Classification Sherloc (09022015). Collection method: clinical testing. Allele origin: germline.
Comment: This variant has not been reported in the literature in individuals with MEGF10-related conditions. This sequence change replaces cysteine with arginine at codon 761 of the MEGF10 protein (p.Cys761Arg). The cysteine residue is highly conserved and there is a large physicochemical difference between cysteine and arginine. This variant is not present in population databases (ExAC no frequency). Algorithms developed to predict the effect of missense changes on protein structure and function (SIFT, PolyPhen-2, Align-GVGD) all suggest that this variant is likely to be disruptive, but these predictions have not been confirmed by published functional studies and their clinical significance is uncertain. In summary, the available evidence is currently insufficient to determine the role of this variant in disease. Therefore, it has been classified as a Variant of Uncertain Significance.

NM_001256545.2(MEGF10):c.2281T>C (p.Cys761Arg)

Gene: MEGF10 (multiple EGF like domains 10; plus strand). Cytogenetic location: 5q23.2.
Variant type: single nucleotide variant.
Coding change: c.2281T>C on transcript NM_001256545.2 (MANE Select); coding-DNA position 2281, T replaced by C.
Protein change: p.Cys761Arg; replaces cysteine 761 with arginine.
Molecular consequence: missense variant.
Genome position (GRCh38, 1-based): chr5:127,440,786, T>C. VCF-style: chr5-127440786-T-C. GRCh37 (hg19) VCF-style: chr5-126776478-T-C.
Other names: c.2281T>C, p.Cys761Arg (NM_032446.3); short protein forms C761R.
Identifiers: ClinVar variation 1042739 (VCV001042739.7), dbSNP rs1765727854, ClinGen allele CA360733451.
Genomic context (GRCh38, chr5:127,440,786, plus strand): 5'-CCTCCTCCCACAGGATGTCCTCTAGGGTTTTATGGAAAAGATTGTGCACTGATATGCCAA[T>C]GTCAAAACGGAGCTGACTGCGACCACATTTCTGGGCAGTGTACTTGCCGCACTGGATTCA-3'
Protein context (NP_001243474.1, residues 751-771): YGKDCALICQ[Cys761Arg]QNGADCDHIS